The following is an entry in ClinVar:

NM_003079.5(SMARCE1):c.611G>T (p.Ser204Ile)

Gene: SMARCE1 (SWI/SNF related BAF chromatin remodeling complex subunit E1; minus strand). Cytogenetic location: 17q21.2.
Variant type: single nucleotide variant.
Coding change: c.611G>T on transcript NM_003079.5 (MANE Select); coding-DNA position 611, G replaced by T.
Protein change: p.Ser204Ile; replaces serine 204 with isoleucine.
Molecular consequence: missense variant.
Genome position (GRCh38, 1-based): chr17:40,632,298, C>A on the plus strand (G>T on the coding strand, the complement: SMARCE1 is on the minus strand). VCF-style: chr17-40632298-C-A. GRCh37 (hg19) VCF-style: chr17-38788550-C-A.
Other names: short protein forms S204I.
Identifiers: ClinVar variation 4741288 (VCV004741288.1).
Genomic context (GRCh38, chr17:40,632,298, plus strand): 5'-ATTCTAGCTGTTGTGACAACTGACCGAACGTCTGGCACCACACTCTCACTAAGAATTTCA[C>A]TGATGAGGCGGTGGTTTCTCTGGAAACGGGCGGTGGCTGTATGCTTCATTGAAAAGCCAT-3'
Protein context (NP_003070.3, residues 194-214): ARFQRNHRLI[Ser204Ile]EILSESVVPD

ClinVar aggregate classification (germline): Uncertain significance (1 of 4 stars; one submission).

Conditions:
Familial meningioma. Also called: Meningioma, familial, susceptibility to. Identifiers: Orphanet 263662, MedGen C3551915, MONDO:0011789, OMIM 607174.

gnomAD v4.1: 1 of 1,614,088 alleles (0.000062%); no homozygotes.

Submission:

Labcorp Genetics (formerly Invitae), Labcorp
Classification: Uncertain significance for Familial meningioma. Last evaluated: 2025-03-21. Review status: criteria provided, single submitter. Criteria: Invitae Variant Classification Sherloc (09022015). Collection method: clinical testing. Allele origin: germline.
Comment: This sequence change replaces serine, which is neutral and polar, with isoleucine, which is neutral and non-polar, at codon 204 of the SMARCE1 protein (p.Ser204Ile). This variant is not present in population databases (gnomAD no frequency). This variant has not been reported in the literature in individuals affected with SMARCE1-related conditions. Invitae Evidence Modeling of protein sequence and biophysical properties (such as structural, functional, and spatial information, amino acid conservation, physicochemical variation, residue mobility, and thermodynamic stability) indicates that this missense variant is expected to disrupt SMARCE1 protein function with a positive predictive value of 80%. In summary, the available evidence is currently insufficient to determine the role of this variant in disease. Therefore, it has been classified as a Variant of Uncertain Significance.